The following is an entry in ClinVar:

NM_006517.5(SLC16A2):c.1300A>T (p.Ile434Phe)

Gene: SLC16A2 (solute carrier family 16 member 2; plus strand). Cytogenetic location: Xq13.2.
Variant type: single nucleotide variant.
Coding change: c.1300A>T on transcript NM_006517.5 (MANE Select); coding-DNA position 1300, A replaced by T.
Protein change: p.Ile434Phe; replaces isoleucine 434 with phenylalanine.
Molecular consequence: missense variant.
Genome position (GRCh38, 1-based): chrX:74,529,342, A>T. VCF-style: chrX-74529342-A-T. GRCh37 (hg19) VCF-style: chrX-73749177-A-T.
Other names: short protein forms I434F.
Identifiers: ClinVar variation 2054892 (VCV002054892.4), dbSNP rs2519809145, ClinGen allele CA413658441.
Genomic context (GRCh38, chrX:74,529,342, plus strand): 5'-ATCGTCGTCTGTCTTTTCCTGGGCCTTTGCGATGGCTTCTTCATCACCATCATGGCCCCC[A>T]TTGCATTTGAGCTGGTGGGCCCAATGCAGGCCTCACAGGCCATTGGCTACCTCCTGGGCA-3'
Protein context (NP_006508.2, residues 424-444): DGFFITIMAP[Ile434Phe]AFELVGPMQA

ClinVar aggregate classification (germline): Uncertain significance (1 of 4 stars; one submission).

Conditions:
Spastic paraplegia. Identifiers: MedGen C0037772, HP:0001258.

gnomAD v4.1: 1 of 1,207,686 alleles (0.000083%); highest among the groups gnomAD compares: Non-Finnish European, 0.00011%; no homozygotes.

Submission:

Labcorp Genetics (formerly Invitae), Labcorp
Classification: Uncertain significance for Spastic paraplegia. Last evaluated: 2021-12-23. Review status: criteria provided, single submitter. Criteria: Invitae Variant Classification Sherloc (09022015). Collection method: clinical testing. Allele origin: germline.
Comment: This sequence change replaces isoleucine, which is neutral and non-polar, with phenylalanine, which is neutral and non-polar, at codon 434 of the SLC16A2 protein (p.Ile434Phe). This variant is not present in population databases (gnomAD no frequency). This variant has not been reported in the literature in individuals affected with SLC16A2-related conditions. Advanced modeling of protein sequence and biophysical properties (such as structural, functional, and spatial information, amino acid conservation, physicochemical variation, residue mobility, and thermodynamic stability) performed at Invitae indicates that this missense variant is expected to disrupt SLC16A2 protein function. In summary, the available evidence is currently insufficient to determine the role of this variant in disease. Therefore, it has been classified as a Variant of Uncertain Significance.